The following is an entry in ClinVar:

NM_000392.5(ABCC2):c.4495A>G (p.Met1499Val)

Gene: ABCC2 (ATP binding cassette subfamily C member 2; plus strand). Cytogenetic location: 10q24.2.
Variant type: single nucleotide variant.
Coding change: c.4495A>G on transcript NM_000392.5 (MANE Select); coding-DNA position 4495, A replaced by G.
Protein change: p.Met1499Val; replaces methionine 1499 with valine.
Molecular consequence: missense variant.
Genome position (GRCh38, 1-based): chr10:99,850,783, A>G. VCF-style: chr10-99850783-A-G. GRCh37 (hg19) VCF-style: chr10-101610540-A-G.
Other names: p.Met1499Val; c.4495A>G, p.Met1499Val (LRG_1208t1); c.4495A>G (NM_000392.4); short protein forms M1499V.
Identifiers: ClinVar variation 497944 (VCV000497944.16), dbSNP rs149200446, ClinGen allele CA5644150.

ClinVar aggregate classification (germline): Conflicting classifications of pathogenicity. Review status: criteria provided, conflicting classifications (1 of 4 stars). 6 submissions from 6 submitters: Uncertain significance (4); Benign (1). 1 of the submissions does not count toward it. Last evaluated 2024-09-29.

Conditions:
ABCC2-related disorder. Also called: ABCC2-related condition.

Allele frequency attached by ClinVar (database versions not stated): gnomAD exomes 0.00009 and 0.00022; 1000 Genomes Project 0.00100; ExAC 0.00029; gnomAD 0.00077 and 0.00078; TOPMed 0.00095; ESP Exome Variant Server 0.00100; 1000 Genomes Project 30x 0.00109.

Submissions (6):

GeneDx
Classification: Uncertain significance. Last evaluated: 2024-09-29. Review status: criteria provided, single submitter. Criteria: GeneDx Variant Classification Process June 2021. Collection method: clinical testing. Allele origin: germline. Affected: yes.
Comment: In silico analysis supports that this missense variant has a deleterious effect on protein structure/function; Has not been previously published as pathogenic or benign to our knowledge; This variant is associated with the following publications: (PMID: 35477852)

Labcorp Genetics (formerly Invitae), Labcorp
Classification: Benign. Last evaluated: 2024-03-13. Review status: criteria provided, single submitter. Criteria: Invitae Variant Classification Sherloc (09022015). Collection method: clinical testing. Allele origin: germline.

Mayo Clinic Laboratories, Mayo Clinic
Classification: Uncertain significance. Last evaluated: 2021-06-29. Review status: criteria provided, single submitter. Criteria: ACMG Guidelines, 2015. Collection method: clinical testing. Allele origin: germline.

Eurofins Ntd Llc (ga)
Classification: Uncertain significance. Last evaluated: 2018-09-04. Review status: criteria provided, single submitter. Criteria: EGL ClinVar v180209 classification definitions. Collection method: clinical testing. Allele origin: germline. Observed: 3 variant alleles, 3 heterozygotes.

Breakthrough Genomics
Classification: Uncertain significance. Review status: criteria provided, single submitter. Criteria: ACMG Guidelines, 2015. Collection method: not provided. Allele origin: germline. Inheritance: Autosomal recessive inheritance. Affected: yes.

PreventionGenetics, part of Exact Sciences
Classification: Likely benign for ABCC2-related condition. Last evaluated: 2021-04-14. Review status: no assertion criteria provided. Collection method: clinical testing. Allele origin: germline. Not counted in ClinVar's aggregate classification.
Comment: This variant is classified as likely benign based on ACMG/AMP sequence variant interpretation guidelines (Richards et al. 2015 PMID: 25741868, with internal and published modifications).